The following is an entry in ClinVar:

ClinVar aggregate classification (germline): Uncertain significance. Review status: criteria provided, multiple submitters, no conflicts (2 of 4 stars). 3 submissions from 3 submitters: Uncertain significance (3). Last evaluated 2024-01-12.

Conditions:
Joubert syndrome 28 (JBTS28). Identifiers: MedGen C4310705, MONDO:0014928, OMIM 617121.
Meckel syndrome, type 1 (MKS1). Also called: MECKEL-GRUBER SYNDROME, TYPE 1. Identifiers: Orphanet 564, MedGen C3714506, MONDO:0009571, OMIM 249000.
Bardet-Biedl syndrome 13 (BBS13). Identifiers: Orphanet 110, MedGen C2673873, MONDO:0014441, OMIM 615990.
Inborn genetic diseases. Identifiers: MedGen C0950123, MeSH D030342.
Joubert syndrome. Also called: CEREBELLOPARENCHYMAL DISORDER IV; JOUBERT-BOLTSHAUSER SYNDROME; Familial aplasia of the vermis. Identifiers: Orphanet 475, MedGen C5979921, MONDO:0018772.
Meckel-Gruber syndrome. Also called: DYSENCEPHALIA SPLANCHNOCYSTICA; GRUBER SYNDROME; Dysencephalia splachnocystica. Identifiers: Orphanet 564, MedGen C0265215, MONDO:0018921.

Allele frequency attached by ClinVar (database versions not stated): gnomAD 0.00001; TOPMed 0.00002.
gnomAD v4.1: 13 of 1,613,976 alleles (0.00081%); highest among the groups gnomAD compares: African/African-American, 0.0053%; no homozygotes.

Submissions (3):

Fulgent Genetics
Classification: Uncertain significance for Meckel syndrome, type 1; Bardet-Biedl syndrome 13; Joubert syndrome 28. Last evaluated: 2024-01-12. Review status: criteria provided, single submitter. Criteria: ACMG Guidelines, 2015. Collection method: clinical testing. Allele origin: germline.

Ambry Genetics
Classification: Uncertain significance for Inborn genetic diseases. Last evaluated: 2023-12-08. Review status: criteria provided, single submitter. Criteria: Ambry Variant Classification Scheme 2023. Collection method: clinical testing. Allele origin: germline.

Labcorp Genetics (formerly Invitae), Labcorp
Classification: Uncertain significance for Joubert syndrome; Meckel-Gruber syndrome. Last evaluated: 2022-08-09. Review status: criteria provided, single submitter. Criteria: Invitae Variant Classification Sherloc (09022015). Collection method: clinical testing. Allele origin: germline.
Comment: This sequence change replaces arginine, which is basic and polar, with histidine, which is basic and polar, at codon 489 of the MKS1 protein (p.Arg489His). This variant is present in population databases (no rsID available, gnomAD 0.008%). This variant has not been reported in the literature in individuals affected with MKS1-related conditions. ClinVar contains an entry for this variant (Variation ID: 1411953). Algorithms developed to predict the effect of missense changes on protein structure and function are either unavailable or do not agree on the potential impact of this missense change (SIFT: "Deleterious"; PolyPhen-2: "Possibly Damaging"; Align-GVGD: "Class C0"). In summary, the available evidence is currently insufficient to determine the role of this variant in disease. Therefore, it has been classified as a Variant of Uncertain Significance.

NM_017777.4(MKS1):c.1466G>A (p.Arg489His)

Gene: MKS1 (MKS transition zone complex subunit 1; minus strand). Cytogenetic location: 17q22.
Variant type: single nucleotide variant.
Coding change: c.1466G>A on transcript NM_017777.4 (MANE Select); coding-DNA position 1466, G replaced by A.
Protein change: p.Arg489His; replaces arginine 489 with histidine.
Molecular consequence: missense variant. On other transcripts: intron variant (2).
Genome position (GRCh38, 1-based): chr17:58,206,489, C>T on the plus strand (G>A on the coding strand, the complement: MKS1 is on the minus strand). VCF-style: chr17-58206489-C-T. GRCh37 (hg19) VCF-style: chr17-56283850-C-T.
Other names: c.1466G>A (NM_017777.3); c.857G>A, p.Arg286His (NM_001321268.2); c.1274-109G>A (NM_001330397.2); c.1408-109G>A (NM_001321269.2); short protein forms R286H, R489H.
Identifiers: ClinVar variation 1411953 (VCV001411953.7), dbSNP rs916562674, ClinGen allele CA292007800.
Genomic context (GRCh38, chr17:58,206,489, plus strand): 5'-CTAAGGTGCCCTGAGGCAGAGGGCCAAGTCACTCACCTGGACTGCTGCAGACAGTGCAAG[C>T]GGAAGGTGACAGTGCCTGTGGTCTCTGTGCGGAGTCCAAAGCGGCTCAGGCGTTCCCCCT-3'
Protein context (NP_060247.2, residues 479-499): RTETTGTVTF[Arg489His]LHCLQQSRAF